The following is an entry in ClinVar:

ClinVar aggregate classification (germline): Likely pathogenic (1 of 4 stars; one submission).

Submission:

Labcorp Genetics (formerly Invitae), Labcorp
Classification: Likely pathogenic. Last evaluated: 2022-03-03. Review status: criteria provided, single submitter. Criteria: Invitae Variant Classification Sherloc (09022015). Collection method: clinical testing. Allele origin: germline.
Comment: In summary, the currently available evidence indicates that the variant is pathogenic, but additional data are needed to prove that conclusively. Therefore, this variant has been classified as Likely Pathogenic. Algorithms developed to predict the effect of sequence changes on RNA splicing suggest that this variant may disrupt the consensus splice site. This variant has not been reported in the literature in individuals affected with COL27A1-related conditions. This variant is not present in population databases (gnomAD no frequency). This sequence change affects an acceptor splice site in intron 4 of the COL27A1 gene. It is expected to disrupt RNA splicing. Variants that disrupt the donor or acceptor splice site typically lead to a loss of protein function (PMID: 16199547), and loss-of-function variants in COL27A1 are known to be pathogenic (PMID: 24986830, 28276056).

Literature cited by the submitters: PubMed 16199547; PubMed 24986830; PubMed 28276056.

NM_032888.4(COL27A1):c.1963-2A>G

Gene: COL27A1 (collagen type XXVII alpha 1 chain; plus strand). Cytogenetic location: 9q32.
Variant type: single nucleotide variant.
Coding change: c.1963-2A>G on transcript NM_032888.4 (MANE Select); the canonical splice acceptor site of the intron before coding-DNA position 1963, A replaced by G.
Molecular consequence: splice acceptor variant.
Genome position (GRCh38, 1-based): chr9:114,183,020, A>G. VCF-style: chr9-114183020-A-G. GRCh37 (hg19) VCF-style: chr9-116945300-A-G.
Identifiers: ClinVar variation 2106307 (VCV002106307.4), dbSNP rs2490697817, ClinGen allele CA374598357.